The following is an entry in ClinVar:

ClinVar aggregate classification (germline): Uncertain significance (1 of 4 stars; one submission).

Allele frequency attached by ClinVar (database versions not stated): TOPMed 0.00002; gnomAD 0.00003; ExAC 0.00006; gnomAD exomes 0.00006.
gnomAD v4.1: 61 of 1,613,880 alleles (0.0038%); highest among the groups gnomAD compares: South Asian, 0.0099%; no homozygotes.

Submission:

Labcorp Genetics (formerly Invitae), Labcorp
Classification: Uncertain significance. Last evaluated: 2021-09-02. Review status: criteria provided, single submitter. Criteria: Invitae Variant Classification Sherloc (09022015). Collection method: clinical testing. Allele origin: germline.
Comment: This sequence change falls in intron 19 of the SLC44A4 gene. It does not directly change the encoded amino acid sequence of the SLC44A4 protein. In summary, the available evidence is currently insufficient to determine the role of this variant in disease. Therefore, it has been classified as a Variant of Uncertain Significance. Algorithms developed to predict the effect of sequence changes on RNA splicing suggest that this variant may create or strengthen a splice site. This variant has not been reported in the literature in individuals affected with SLC44A4-related conditions. This variant is present in population databases (rs759785728, ExAC 0.02%).

NM_025257.3(SLC44A4):c.1927-16G>A

Gene: SLC44A4 (solute carrier family 44 member 4; minus strand). Cytogenetic location: 6p21.33.
Variant type: single nucleotide variant.
Coding change: c.1927-16G>A on transcript NM_025257.3 (MANE Select); 16 bases into the intron before coding-DNA position 1927, G replaced by A.
Molecular consequence: intron variant.
Genome position (GRCh38, 1-based): chr6:31,864,752, C>T on the plus strand (G>A on the coding strand, the complement: SLC44A4 is on the minus strand). VCF-style: chr6-31864752-C-T. GRCh37 (hg19) VCF-style: chr6-31832529-C-T.
Other names: c.1801-16G>A (NM_001178044.2); c.1699-16G>A (NM_001178045.2).
Identifiers: ClinVar variation 1512802 (VCV001512802.6), dbSNP rs759785728, ClinGen allele CA3725207.